The following is an entry in ClinVar:

ClinVar aggregate classification (germline): Likely benign (1 of 4 stars; one submission).

gnomAD v4.1: 4,738 of 1,613,354 alleles (0.29%); highest among the groups gnomAD compares: Non-Finnish European, 0.35%; 14 homozygotes.

Submission:

CeGaT Center for Human Genetics Tuebingen
Classification: Likely benign. Last evaluated: 2024-09-01. Review status: criteria provided, single submitter. Criteria: CeGaT Center For Human Genetics Tuebingen Variant Classification Criteria Version 2. Collection method: clinical testing. Allele origin: germline. Affected: yes. Observed: 1 variant allele.
Comment: TACC2: BP4, BP7, BS2

NM_206862.4(TACC2):c.5163C>T (p.Ser1721=)

Gene: TACC2 (transforming acidic coiled-coil containing protein 2; plus strand). Cytogenetic location: 10q26.13.
Variant type: single nucleotide variant.
Coding change: c.5163C>T on transcript NM_206862.4 (MANE Select); coding-DNA position 5163, C replaced by T.
Protein change: p.Ser1721=; no amino-acid change (serine 1721 retained).
Molecular consequence: synonymous variant. On other transcripts: intron variant (1).
Genome position (GRCh38, 1-based): chr10:122,087,663, C>T. VCF-style: chr10-122087663-C-T. GRCh37 (hg19) VCF-style: chr10-123847178-C-T.
Other names: c.5163C>T, p.Ser1721= (NM_001291876.2, NM_001291877.2); c.146+37113C>T (NM_206861.3).
Identifiers: ClinVar variation 3387994 (VCV003387994.14).
Genomic context (GRCh38, chr10:122,087,663, plus strand): 5'-TGCTGGGGAAGCAGAGGGTGACATCACCCTGAGCACAGCTGAGACACAGGCATGTGCGTC[C>T]GGTGATCTGCCTGAAGCAGGTACTACGAGGACATTCTCCGTTGTGGCAGGTGACTTGGTG-3'
Protein context (NP_996744.4, residues 1711-1731): LSTAETQACA[Ser1721=]GDLPEAGTTR